The following is an entry in ClinVar:

NM_003738.5(PTCH2):c.1122G>T (p.Gln374His)

Gene: PTCH2 (patched 2; minus strand). Cytogenetic location: 1p34.1.
Variant type: single nucleotide variant.
Coding change: c.1122G>T on transcript NM_003738.5 (MANE Select); coding-DNA position 1122, G replaced by T.
Protein change: p.Gln374His; replaces glutamine 374 with histidine.
Molecular consequence: missense variant.
Genome position (GRCh38, 1-based): chr1:44,829,495, C>A on the plus strand (G>T on the coding strand, the complement: PTCH2 is on the minus strand). VCF-style: chr1-44829495-C-A. GRCh37 (hg19) VCF-style: chr1-45295167-C-A.
Other names: c.1122G>T, p.Gln374His (NM_001166292.2); short protein forms Q374H.
Identifiers: ClinVar variation 4731115 (VCV004731115.1).
Genomic context (GRCh38, chr1:44,829,495, plus strand): 5'-ACTGACTTCAGAGAACGCATGCAGGATGTCATCCAGGGTGGTGGAGGAGAAGGCATGGAT[C>A]TGCTGGGAAGCGTTCTCAGGCAGGGCCTCCTGGGCCAGCTGGAGAAACAGGGTGGATAGG-3'
Protein context (NP_003729.3, residues 364-384): QEALPENASQ[Gln374His]IHAFSSTTLD

ClinVar aggregate classification (germline): Uncertain significance (1 of 4 stars; one submission).

Conditions:
Gorlin syndrome. Also called: Nevoid Basal Cell Carcinoma Syndrome; Basal cell nevus syndrome. Identifiers: Orphanet 377, MedGen C0004779, MONDO:0007187.

gnomAD v4.1: 1 of 1,614,244 alleles (0.000062%); highest among the groups gnomAD compares: East Asian, 0.0022%; no homozygotes.

Submission:

Labcorp Genetics (formerly Invitae), Labcorp
Classification: Uncertain significance for Gorlin syndrome. Last evaluated: 2025-08-06. Review status: criteria provided, single submitter. Criteria: Invitae Variant Classification Sherloc (09022015). Collection method: clinical testing. Allele origin: germline.
Comment: This sequence change replaces glutamine, which is neutral and polar, with histidine, which is basic and polar, at codon 374 of the PTCH2 protein (p.Gln374His). This variant is not present in population databases (gnomAD no frequency). This variant has not been reported in the literature in individuals affected with PTCH2-related conditions. Invitae Evidence Modeling of protein sequence and biophysical properties (such as structural, functional, and spatial information, amino acid conservation, physicochemical variation, residue mobility, and thermodynamic stability) indicates that this missense variant is not expected to disrupt PTCH2 protein function with a negative predictive value of 80%. In summary, the available evidence is currently insufficient to determine the role of this variant in disease. Therefore, it has been classified as a Variant of Uncertain Significance.